The following is an entry in ClinVar:

NM_004104.5(FASN):c.1274G>A (p.Arg425Gln)

Gene: FASN (fatty acid synthase; minus strand). Cytogenetic location: 17q25.3.
Variant type: single nucleotide variant.
Coding change: c.1274G>A on transcript NM_004104.5 (MANE Select); coding-DNA position 1274, G replaced by A.
Protein change: p.Arg425Gln; replaces arginine 425 with glutamine.
Molecular consequence: missense variant.
Genome position (GRCh38, 1-based): chr17:82,091,440, C>T on the plus strand (G>A on the coding strand, the complement: FASN is on the minus strand). VCF-style: chr17-82091440-C-T. GRCh37 (hg19) VCF-style: chr17-80049316-C-T.
Other names: short protein forms R425Q.
Identifiers: ClinVar variation 646580 (VCV000646580.8), dbSNP rs747164236, ClinGen allele CA8853207.

ClinVar aggregate classification (germline): Uncertain significance (1 of 4 stars; one submission).

Conditions:
Epileptic encephalopathy. Identifiers: MedGen C0543888, HP:0200134.

Allele frequency attached by ClinVar (database versions not stated): gnomAD 0.00001 and 0.00002; TOPMed 0.00001.
gnomAD v4.1: 24 of 1,607,142 alleles (0.0015%); highest among the groups gnomAD compares: African/African-American, 0.0027%; no homozygotes.

Submission:

Labcorp Genetics (formerly Invitae), Labcorp
Classification: Uncertain significance for Epileptic encephalopathy. Last evaluated: 2018-07-31. Review status: criteria provided, single submitter. Criteria: Invitae Variant Classification Sherloc (09022015). Collection method: clinical testing. Allele origin: germline.
Comment: In summary, the available evidence is currently insufficient to determine the role of this variant in disease. Therefore, it has been classified as a Variant of Uncertain Significance. Algorithms developed to predict the effect of sequence changes on RNA splicing suggest that this variant may create or strengthen a splice site, but this prediction has not been confirmed by published transcriptional studies. Algorithms developed to predict the effect of missense changes on protein structure and function output the following: SIFT: "Tolerated"; PolyPhen-2: "Benign"; Align-GVGD: "Class C0". The glutamine amino acid residue is found in multiple mammalian species, suggesting that this missense change does not adversely affect protein function. These predictions have not been confirmed by published functional studies and their clinical significance is uncertain. This variant has not been reported in the literature in individuals with FASN-related disease. This variant is present in population databases (rs747164236, ExAC 0.006%). This sequence change replaces arginine with glutamine at codon 425 of the FASN protein (p.Arg425Gln). The arginine residue is weakly conserved and there is a small physicochemical difference between arginine and glutamine.